The following is an entry in ClinVar:

ClinVar aggregate classification (germline): Likely pathogenic (1 of 4 stars; one submission).

Conditions:
Familial hypokalemia-hypomagnesemia (GTLMNS). Also called: POTASSIUM AND MAGNESIUM DEPLETION; HYPOMAGNESEMIA-HYPOKALEMIA, PRIMARY RENOTUBULAR, WITH HYPOCALCIURIA; gitelman syndrome. Identifiers: Orphanet 358, MedGen C0268450, MONDO:0009904, OMIM 263800.

Submission:

Natera, Inc.
Classification: Likely pathogenic for Gitelman syndrome. Last evaluated: 2024-04-08. Review status: criteria provided, single submitter. Criteria: Natera Variant Classification Schema (03/2026). Collection method: clinical testing. Allele origin: germline.
Comment: The c.532T>C variant in SLC12A3 is a missense variant predicted to cause substitution of serine to proline at amino acid 178. This variant is rare in the general population with a frequency below the threshold expected for the associated phenotype(s). This variant has been observed in one or more individuals affected with the associated recessive disease, as either homozygous or compound heterozygous with a second variant (PMID: 32542819). A different variant at the same position has been determined to be Pathogenic or Likely Pathogenic. Computational prediction algorithms indicate this variant is likely to affect gene or protein function. Given the available evidence, this variant is classified as Likely Pathogenic.

Literature cited by the submitters: PubMed 32542819.

NM_001126108.2(SLC12A3):c.532T>C (p.Ser178Pro)

Gene: SLC12A3 (solute carrier family 12 member 3; plus strand). Cytogenetic location: 16q13.
Variant type: single nucleotide variant.
Coding change: c.532T>C on transcript NM_001126108.2 (MANE Select); coding-DNA position 532, T replaced by C.
Protein change: p.Ser178Pro; replaces serine 178 with proline.
Molecular consequence: missense variant.
Genome position (GRCh38, 1-based): chr16:56,869,755, T>C. VCF-style: chr16-56869755-T-C. GRCh37 (hg19) VCF-style: chr16-56903667-T-C.
Other names: c.532T>C, p.Ser178Pro (NM_000339.3); c.529T>C, p.Ser177Pro (NM_001126107.2, NM_001410896.1); short protein forms S177P, S178P.
Identifiers: ClinVar variation 4818213 (VCV004818213.1).